The following is an entry in ClinVar:

NM_014639.4(SKIC3):c.3091T>C (p.Cys1031Arg)

Gene: SKIC3 (SKI3 subunit of superkiller complex; minus strand). Cytogenetic location: 5q15.
Variant type: single nucleotide variant.
Coding change: c.3091T>C on transcript NM_014639.4 (MANE Select); coding-DNA position 3091, T replaced by C.
Protein change: p.Cys1031Arg; replaces cysteine 1031 with arginine.
Molecular consequence: missense variant.
Genome position (GRCh38, 1-based): chr5:95,506,935, A>G on the plus strand (T>C on the coding strand, the complement: SKIC3 is on the minus strand). VCF-style: chr5-95506935-A-G. GRCh37 (hg19) VCF-style: chr5-94842639-A-G.
Other names: short protein forms C1031R.
Identifiers: ClinVar variation 451630 (VCV000451630.3), dbSNP rs757549006, ClinGen allele CA3346851.
Genomic context (GRCh38, chr5:95,506,935, plus strand): 5'-AGCTTTCACCAGAAAAATACAATCAATTGACAGAATTAATGGAGAAAAAATACGCTTACC[A>G]TAACAATCTGCCGTAATTTCTTATTGCAACATTGTAAGTATCTTGGTCTTCTGCAGTCTG-3'
Protein context (NP_055454.1, residues 1021-1041): VAIRNYGRLL[Cys1031Arg]STGEYDKAIQ

ClinVar aggregate classification (germline): Uncertain significance (1 of 4 stars; one submission).

Allele frequency attached by ClinVar (database versions not stated): ExAC 0.00001.
gnomAD v4.1: 7 of 1,613,442 alleles (0.00043%); highest among the groups gnomAD compares: East Asian, 0.0022%; no homozygotes.

Submission:

GeneDx
Classification: Uncertain significance. Last evaluated: 2017-09-18. Review status: criteria provided, single submitter. Criteria: GeneDx Variant Classification (06012015). Collection method: clinical testing. Allele origin: germline. Affected: yes.
Comment: The C1031R variant in the TTC37 gene has not been reported previously as a pathogenic variant, nor as a benign variant, to our knowledge. This variant is not observed at a significant frequency in large population cohorts (Lek et al., 2016; 1000 Genomes Consortium et al., 2015; Exome Variant Server). The C1031R variant is a non-conservative amino acid substitution, which is likely to impact secondary protein structure as these residues differ in polarity, charge, size and/or other properties. In addition, this substitution occurs at a position that is conserved across species, and in silico analysis predicts this variant is probably damaging to the protein structure/function. We interpret C1031R as a variant of uncertain significance.